The following is an entry in ClinVar:

NM_032833.5(PPP1R15B):c.2123A>C (p.Asn708Thr)

Gene: PPP1R15B (protein phosphatase 1 regulatory subunit 15B; minus strand). Cytogenetic location: 1q32.1.
Variant type: single nucleotide variant.
Coding change: c.2123A>C on transcript NM_032833.5 (MANE Select); coding-DNA position 2123, A replaced by C.
Protein change: p.Asn708Thr; replaces asparagine 708 with threonine.
Molecular consequence: missense variant.
Genome position (GRCh38, 1-based): chr1:204,406,111, T>G on the plus strand (A>C on the coding strand, the complement: PPP1R15B is on the minus strand). VCF-style: chr1-204406111-T-G. GRCh37 (hg19) VCF-style: chr1-204375239-T-G.
Other names: short protein forms N708T.
Identifiers: ClinVar variation 2018167 (VCV002018167.4), dbSNP rs1345605405, ClinGen allele CA344348535.

ClinVar aggregate classification (germline): Uncertain significance (1 of 4 stars; one submission).

Allele frequency attached by ClinVar (database versions not stated): gnomAD exomes 0.00001.
gnomAD v4.1: 4 of 1,614,116 alleles (0.00025%); highest among the groups gnomAD compares: Admixed American, 0.005%; no homozygotes.

Submission:

Labcorp Genetics (formerly Invitae), Labcorp
Classification: Uncertain significance. Last evaluated: 2022-07-19. Review status: criteria provided, single submitter. Criteria: Invitae Variant Classification Sherloc (09022015). Collection method: clinical testing. Allele origin: germline.
Comment: In summary, the available evidence is currently insufficient to determine the role of this variant in disease. Therefore, it has been classified as a Variant of Uncertain Significance. Algorithms developed to predict the effect of missense changes on protein structure and function output the following: SIFT: "Tolerated"; PolyPhen-2: "Benign"; Align-GVGD: "Class C0". The threonine amino acid residue is found in multiple mammalian species, which suggests that this missense change does not adversely affect protein function. This variant has not been reported in the literature in individuals affected with PPP1R15B-related conditions. This variant is present in population databases (no rsID available, gnomAD 0.009%). This sequence change replaces asparagine, which is neutral and polar, with threonine, which is neutral and polar, at codon 708 of the PPP1R15B protein (p.Asn708Thr).